The following is an entry in ClinVar:

NM_001244008.2(KIF1A):c.389T>A (p.Ile130Asn)

Gene: KIF1A (kinesin family member 1A; minus strand). Cytogenetic location: 2q37.3.
Variant type: single nucleotide variant.
Coding change: c.389T>A on transcript NM_001244008.2 (MANE Select); coding-DNA position 389, T replaced by A.
Protein change: p.Ile130Asn; replaces isoleucine 130 with asparagine.
Molecular consequence: missense variant.
Genome position (GRCh38, 1-based): chr2:240,787,291, A>T on the plus strand (T>A on the coding strand, the complement: KIF1A is on the minus strand). VCF-style: chr2-240787291-A-T. GRCh37 (hg19) VCF-style: chr2-241726708-A-T.
Other names: c.389T>A, p.Ile130Asn (NM_001379636.1, NM_001379637.1, NM_001379638.1 and 20 more transcripts); short protein forms I130N.
Identifiers: ClinVar variation 4092287 (VCV004092287.1).

ClinVar aggregate classification (germline): Uncertain significance (1 of 4 stars; one submission).

Conditions:
Inborn genetic diseases. Identifiers: MedGen C0950123, MeSH D030342.

gnomAD v4.1: 1 of 1,613,342 alleles (0.000062%); highest among the groups gnomAD compares: Non-Finnish European, 0.000085%; no homozygotes.

Submission:

Ambry Genetics
Classification: Uncertain significance for Inborn genetic diseases. Last evaluated: 2025-07-08. Review status: criteria provided, single submitter. Criteria: Ambry Variant Classification Scheme 2023. Collection method: clinical testing. Allele origin: germline.
Comment: The c.389T>A (p.I130N) alteration is located in exon 5 (coding exon 4) of the KIF1A gene. This alteration results from a T to A substitution at nucleotide position 389, causing the isoleucine (I) at amino acid position 130 to be replaced by an asparagine (N). This variant was not reported in population-based cohorts in the Genome Aggregation Database (gnomAD). This amino acid position is highly conserved in available vertebrate species. This alteration is predicted to be deleterious by in silico analysis. Based on insufficient or conflicting evidence, the clinical significance of this alteration remains unclear.